The following is an entry in ClinVar:

ClinVar aggregate classification (germline): Uncertain significance. Review status: criteria provided, multiple submitters, no conflicts (2 of 4 stars). 2 submissions from 2 submitters: Uncertain significance (2). Last evaluated 2025-03-03.

Conditions:
Cardiovascular phenotype. Identifiers: MedGen CN230736.
Brugada syndrome. Also called: Sudden unexpected nocturnal death syndrome; Sudden unexplained nocturnal death syndrome; Sudden Unexplained Death Syndrome; Sudden Unexplained Nocturnal Death Syndrome (SUNDS). Identifiers: Orphanet 130, MedGen C1142166, MONDO:0015263.

Submissions (2):

Labcorp Genetics (formerly Invitae), Labcorp
Classification: Uncertain significance for Brugada syndrome. Last evaluated: 2025-03-03. Review status: criteria provided, single submitter. Criteria: Invitae Variant Classification Sherloc (09022015). Collection method: clinical testing. Allele origin: germline.
Comment: This sequence change replaces isoleucine, which is neutral and non-polar, with threonine, which is neutral and polar, at codon 75 of the SCN10A protein (p.Ile75Thr). This variant is not present in population databases (gnomAD no frequency). This variant has not been reported in the literature in individuals affected with SCN10A-related conditions. ClinVar contains an entry for this variant (Variation ID: 958405). Invitae Evidence Modeling of protein sequence and biophysical properties (such as structural, functional, and spatial information, amino acid conservation, physicochemical variation, residue mobility, and thermodynamic stability) indicates that this missense variant is not expected to disrupt SCN10A protein function with a negative predictive value of 80%. In summary, the available evidence is currently insufficient to determine the role of this variant in disease. Therefore, it has been classified as a Variant of Uncertain Significance.

Ambry Genetics
Classification: Uncertain significance for Cardiovascular phenotype. Last evaluated: 2022-03-15. Review status: criteria provided, single submitter. Criteria: Ambry Variant Classification Scheme 2023. Collection method: clinical testing. Allele origin: germline.
Comment: The p.I75T variant (also known as c.224T>C), located in coding exon 1 of the SCN10A gene, results from a T to C substitution at nucleotide position 224. The isoleucine at codon 75 is replaced by threonine, an amino acid with similar properties. This amino acid position is poorly conserved in available vertebrate species. In addition, the in silico prediction for this alteration is inconclusive. The evidence for this gene-disease relationship is limited; therefore, the clinical significance of this alteration is unclear.

NM_006514.4(SCN10A):c.224T>C (p.Ile75Thr)

Gene: SCN10A (sodium voltage-gated channel alpha subunit 10; minus strand). Cytogenetic location: 3p22.2.
Variant type: single nucleotide variant.
Coding change: c.224T>C on transcript NM_006514.4 (MANE Select); coding-DNA position 224, T replaced by C.
Protein change: p.Ile75Thr; replaces isoleucine 75 with threonine.
Molecular consequence: missense variant.
Genome position (GRCh38, 1-based): chr3:38,793,787, A>G on the plus strand (T>C on the coding strand, the complement: SCN10A is on the minus strand). VCF-style: chr3-38793787-A-G. GRCh37 (hg19) VCF-style: chr3-38835278-A-G.
Other names: c.224T>C, p.Ile75Thr (NM_001293306.2, NM_001293307.2); short protein forms I75T.
Identifiers: ClinVar variation 958405 (VCV000958405.6), dbSNP rs1200209497, ClinGen allele CA352162629.